The following is an entry in ClinVar:

ClinVar aggregate classification (germline): Uncertain significance (1 of 4 stars; one submission).

Conditions:
Cardiovascular phenotype. Identifiers: MedGen CN230736.

Submission:

Ambry Genetics
Classification: Uncertain significance for Cardiovascular phenotype. Last evaluated: 2025-12-08. Review status: criteria provided, single submitter. Criteria: Ambry Variant Classification Scheme 2023. Collection method: clinical testing. Allele origin: germline.
Comment: The c.595_596insALU variant results from the insertion of an Alu element between nucleotides 595 and 596 in coding exon 5 of the MYOZ2 gene. Mobile element insertions contribute to pathogenicity by either disrupting the coding sequence or inducing aberrant splicing (Belancio VP et al. Semin. Cancer Biol. 2010 Aug;20:200-10; Deininger P et al. Genome Biol. 2011 Dec;12:236; van der Klift HM Hum Mutat. 2012 Jul;33(7):1051-5). The evidence for this gene-disease relationship is limited; therefore, the clinical significance of this alteration is unclear.

NM_016599.4:c.595_596insALU

Gene: MYOZ2 (myozenin 2; plus strand).
Variant type: Insertion.
Identifiers: ClinVar variation 4614658 (VCV004614658.1).